The following is an entry in ClinVar:

ClinVar aggregate classification (germline): Likely benign (1 of 4 stars; one submission).

Conditions:
KCNQ1-related disorder. Also called: KCNQ1-related condition; KCNQ1-related disorders. Identifiers: MedGen CN239322.

gnomAD v4.1: 29 of 398,428 alleles (0.0073%); highest among the groups gnomAD compares: East Asian, 0.046%; no homozygotes.

Submission:

PreventionGenetics, part of Exact Sciences
Classification: Likely benign for KCNQ1-related condition. Last evaluated: 2026-02-06. Review status: criteria provided, single submitter. Criteria: ACMG Guidelines, 2015. Collection method: clinical testing. Allele origin: germline.
Comment: This variant is classified as likely benign based on ACMG/AMP sequence variant interpretation guidelines (Richards et al. 2015 PMID: 25741868, with internal and published modifications).

NM_000218.3(KCNQ1):c.1393+21652A>G

Genes: KCNQ1 (potassium voltage-gated channel subfamily Q member 1; plus strand), KCNQ1OT1 (KCNQ1 opposite strand/antisense transcript 1; minus strand). Cytogenetic location: 11p15.5.
Variant type: single nucleotide variant.
Coding change: c.1393+21652A>G on transcript NM_000218.3 (MANE Select); 21652 bases into the intron after coding-DNA position 1393, A replaced by G.
Molecular consequence: intron variant. On other transcripts: non-coding transcript variant (1).
Genome position (GRCh38, 1-based): chr11:2,610,506, A>G. VCF-style: chr11-2610506-A-G. GRCh37 (hg19) VCF-style: chr11-2631736-A-G.
Other names: c.1123+21652A>G (NM_001406837.1); c.1297+21652A>G (NM_001406836.1); c.853+21652A>G (NM_001406838.1); c.1012+21652A>G (NM_181798.2).
Identifiers: ClinVar variation 4989411 (VCV004989411.1).